The following is an entry in ClinVar:

NM_138422.4(ADAT3):c.440G>A (p.Arg147Gln)

Genes: ADAT3 (adenosine deaminase tRNA specific 3; plus strand), SCAMP4 (secretory carrier membrane protein 4; plus strand). Cytogenetic location: 19p13.3.
Variant type: single nucleotide variant.
Coding change: c.440G>A on transcript NM_138422.4 (MANE Select); coding-DNA position 440, G replaced by A.
Protein change: p.Arg147Gln; replaces arginine 147 with glutamine.
Molecular consequence: missense variant. On other transcripts: intron variant (3).
Genome position (GRCh38, 1-based): chr19:1,912,487, G>A. VCF-style: chr19-1912487-G-A. GRCh37 (hg19) VCF-style: chr19-1912486-G-A.
Other names: c.392G>A, p.Arg131Gln (NM_001329533.2); c.-41-2492G>A (NM_079834.4, NM_001329540.2); c.-125-5207G>A (NM_001329539.2); short protein forms R147Q, R131Q.
Identifiers: ClinVar variation 434083 (VCV000434083.12), dbSNP rs562447196, ClinGen allele CA9054554.

ClinVar aggregate classification (germline): Conflicting classifications of pathogenicity. Review status: criteria provided, conflicting classifications (1 of 4 stars). 4 submissions from 4 submitters: Uncertain significance (3); Likely benign (1). Last evaluated 2025-04-08.

Conditions:
Intellectual disability-strabismus syndrome (NEDBGF). Also called: NEURODEVELOPMENTAL DISORDER WITH BRAIN ABNORMALITIES, POOR GROWTH, AND DYSMORPHIC FACIES. Identifiers: Orphanet 363528, MedGen C4750838, MONDO:0014119, OMIM 615286.
Inborn genetic diseases. Identifiers: MedGen C0950123, MeSH D030342.

Allele frequency attached by ClinVar (database versions not stated): gnomAD 0.00002 and 0.00011; TOPMed 0.00003; gnomAD exomes 0.00014 and 0.00040; 1000 Genomes Project 30x 0.00031; 1000 Genomes Project 0.00040; ExAC 0.00171.
gnomAD v4.1: 201 of 1,498,814 alleles (0.013%); highest among the groups gnomAD compares: South Asian, 0.21%; 2 homozygotes.

Submissions (4):

GeneDx
Classification: Uncertain significance. Last evaluated: 2025-04-08. Review status: criteria provided, single submitter. Criteria: GeneDx Variant Classification Process June 2021. Collection method: clinical testing. Allele origin: germline.
Comment: Has not been previously published as pathogenic or benign to our knowledge; In silico analysis supports that this missense variant has a deleterious effect on protein structure/function

Ambry Genetics
Classification: Likely benign for Inborn genetic diseases. Last evaluated: 2024-05-20. Review status: criteria provided, single submitter. Criteria: Ambry Variant Classification Scheme 2023. Collection method: clinical testing. Allele origin: germline.

Revvity Omics, Revvity
Classification: Uncertain significance for Intellectual disability-strabismus syndrome. Last evaluated: 2021-03-26. Review status: criteria provided, single submitter. Criteria: ACMG Guidelines, 2015. Collection method: clinical testing. Allele origin: germline.

Genetic Services Laboratory, University of Chicago
Classification: Uncertain significance. Last evaluated: 2016-11-09. Review status: criteria provided, single submitter. Criteria: ACMG Guidelines, 2015. Collection method: clinical testing. Allele origin: germline. Affected: no.